The following is an entry in ClinVar:

ClinVar aggregate classification (germline): Uncertain significance (1 of 4 stars; one submission).

Allele frequency attached by ClinVar (database versions not stated): gnomAD 0.00001; gnomAD exomes 0.00001; TOPMed 0.00002; ExAC 0.00003.
gnomAD v4.1: 8 of 1,549,242 alleles (0.00052%); highest among the groups gnomAD compares: Admixed American, 0.014%; no homozygotes.

Submission:

Labcorp Genetics (formerly Invitae), Labcorp
Classification: Uncertain significance. Last evaluated: 2026-01-19. Review status: criteria provided, single submitter. Criteria: Invitae Variant Classification Sherloc (09022015). Collection method: clinical testing. Allele origin: germline.
Comment: This sequence change replaces arginine, which is basic and polar, with threonine, which is neutral and polar, at codon 140 of the POLE2 protein (p.Arg140Thr). This variant is present in population databases (rs777318664, gnomAD 0.02%). This variant has not been reported in the literature in individuals affected with POLE2-related conditions. ClinVar contains an entry for this variant (Variation ID: 2713417). An algorithm developed to predict the effect of missense changes on protein structure and function (PolyPhen-2) suggests that this variant is likely to be disruptive. In summary, the available evidence is currently insufficient to determine the role of this variant in disease. Therefore, it has been classified as a Variant of Uncertain Significance.

NM_002692.4(POLE2):c.419G>C (p.Arg140Thr)

Gene: POLE2 (DNA polymerase epsilon 2, accessory subunit; minus strand). Cytogenetic location: 14q21.3.
Variant type: single nucleotide variant.
Coding change: c.419G>C on transcript NM_002692.4 (MANE Select); coding-DNA position 419, G replaced by C.
Protein change: p.Arg140Thr; replaces arginine 140 with threonine.
Molecular consequence: missense variant.
Genome position (GRCh38, 1-based): chr14:49,669,597, C>G on the plus strand (G>C on the coding strand, the complement: POLE2 is on the minus strand). VCF-style: chr14-49669597-C-G. GRCh37 (hg19) VCF-style: chr14-50136315-C-G.
Other names: c.341G>C, p.Arg114Thr (NM_001197330.2); c.419G>C, p.Arg140Thr (NM_001197331.3, NM_001348384.2); c.188G>C, p.Arg63Thr (NM_001348385.2); short protein forms R114T, R140T, R63T.
Identifiers: ClinVar variation 2713417 (VCV002713417.3), dbSNP rs777318664, ClinGen allele CA7173616.